The following is an entry in ClinVar:

ClinVar aggregate classification (germline): Likely benign (1 of 4 stars; one submission).

Conditions:
RAX2-related disorder. Also called: RAX2-related disorders; RAX2-related condition.

gnomAD v4.1: 15 of 1,518,172 alleles (0.00099%); highest among the groups gnomAD compares: African/African-American, 0.012%; no homozygotes.

Submission:

PreventionGenetics, part of Exact Sciences
Classification: Likely benign for RAX2-related condition. Last evaluated: 2025-01-17. Review status: criteria provided, single submitter. Criteria: ACMG Guidelines, 2015. Collection method: clinical testing. Allele origin: germline.
Comment: This variant is classified as likely benign based on ACMG/AMP sequence variant interpretation guidelines (Richards et al. 2015 PMID: 25741868, with internal and published modifications).

NM_001319074.4(RAX2):c.-61G>A

Gene: RAX2 (retina and anterior neural fold homeobox 2; minus strand). Cytogenetic location: 19p13.3.
Variant type: single nucleotide variant.
Coding change: c.-61G>A on transcript NM_001319074.4 (MANE Select); 61 bases upstream of the start codon, G replaced by A.
Molecular consequence: 5 prime UTR variant. On other transcripts: intron variant (1).
Genome position (GRCh38, 1-based): chr19:3,771,803, C>T on the plus strand (G>A on the coding strand, the complement: RAX2 is on the minus strand). VCF-style: chr19-3771803-C-T. GRCh37 (hg19) VCF-style: chr19-3771801-C-T.
Other names: c.-9-52G>A (NM_032753.4).
Identifiers: ClinVar variation 4988137 (VCV004988137.1).